The following is an entry in ClinVar:

NM_001164508.2(NEB):c.23524C>A (p.Arg7842Ser)

Genes: NEB (nebulin; minus strand), RIF1 (replication timing regulatory factor 1; plus strand). Cytogenetic location: 2q23.3.
Variant type: single nucleotide variant.
Coding change: c.23524C>A on transcript NM_001164508.2 (MANE Select); coding-DNA position 23524, C replaced by A.
Protein change: p.Arg7842Ser; replaces arginine 7842 with serine.
Molecular consequence: missense variant.
Genome position (GRCh38, 1-based): chr2:151,506,941, G>T on the plus strand (C>A on the coding strand, the complement: NEB is on the minus strand). VCF-style: chr2-151506941-G-T. GRCh37 (hg19) VCF-style: chr2-152363455-G-T.
Other names: c.23524C>A, p.Arg7842Ser (NM_001164507.2); c.23629C>A, p.Arg7877Ser (NM_001271208.2); c.18421C>A, p.Arg6141Ser (NM_004543.5); short protein forms R6141S, R7842S, R7877S.
Identifiers: ClinVar variation 1442836 (VCV001442836.8), dbSNP rs184516994, ClinGen allele CA348784520.

ClinVar aggregate classification (germline): Uncertain significance (1 of 4 stars; one submission).

Conditions:
Nemaline myopathy 2 (NEM2). Also called: Nemaline myopathy 2, autosomal recessive. Identifiers: MedGen C1850569, MONDO:0009725, OMIM 256030.

gnomAD v4.1: 2 of 1,610,104 alleles (0.00012%); highest among the groups gnomAD compares: South Asian, 0.0022%; no homozygotes.

Submission:

Labcorp Genetics (formerly Invitae), Labcorp
Classification: Uncertain significance for Nemaline myopathy 2. Last evaluated: 2021-06-11. Review status: criteria provided, single submitter. Criteria: Invitae Variant Classification Sherloc (09022015). Collection method: clinical testing. Allele origin: germline.
Comment: This variant has not been reported in the literature in individuals with NEB-related conditions. Algorithms developed to predict the effect of missense changes on protein structure and function are either unavailable or do not agree on the potential impact of this missense change (SIFT: "Deleterious"; PolyPhen-2: "Not Available"; Align-GVGD: "Class C0"). In summary, the available evidence is currently insufficient to determine the role of this variant in disease. Therefore, it has been classified as a Variant of Uncertain Significance. This variant is not present in population databases (ExAC no frequency). This sequence change replaces arginine with serine at codon 7877 of the NEB protein (p.Arg7877Ser). The arginine residue is moderately conserved and there is a moderate physicochemical difference between arginine and serine.